The following is an entry in ClinVar:

NM_000535.7(PMS2):c.1320A>G (p.Pro440=)

Gene: PMS2 (PMS1 homolog 2, mismatch repair system component; minus strand). Cytogenetic location: 7p22.1.
Variant type: single nucleotide variant.
Coding change: c.1320A>G on transcript NM_000535.7 (MANE Select); coding-DNA position 1320, A replaced by G.
Protein change: p.Pro440=; no amino-acid change (proline 440 retained).
Molecular consequence: synonymous variant. On other transcripts: non-coding transcript variant (1).
Genome position (GRCh38, 1-based): chr7:5,987,445, T>C on the plus strand (A>G on the coding strand, the complement: PMS2 is on the minus strand). VCF-style: chr7-5987445-T-C. GRCh37 (hg19) VCF-style: chr7-6027076-T-C.
Other names: p.P440P:CCA>CCG; c.915A>G, p.Pro305= (NM_001322003.2, NM_001322004.2, NM_001322005.2 and 1 more transcripts); c.1164A>G, p.Pro388= (NM_001322006.2); c.1002A>G, p.Pro334= (NM_001322007.2, NM_001322008.2); c.759A>G, p.Pro253= (NM_001322010.2); c.387A>G, p.Pro129= (NM_001322011.2, NM_001322012.2); c.747A>G, p.Pro249= (NM_001322013.2); c.1320A>G, p.Pro440= (NM_001322014.2); and 1 more.
Identifiers: ClinVar variation 135933 (VCV000135933.40), dbSNP rs138697590, ClinGen allele CA009511.
Genomic context (GRCh38, chr7:5,987,445, plus strand): 5'-ACCTGAAGTGCTAGAAGACAGCATACCCCTTTTCTGTCCTAGAGGGCTCCTTCTTGGTTC[T>C]GGAGTCTTTGGGCTGTGAGGCTTGTTCTCTGTTGTGTGACGAAGAGAAAAGGCCTCTCGC-3'
Protein context (NP_000526.2, residues 430-450): TENKPHSPKT[Pro440=]EPRRSPLGQK

ClinVar aggregate classification (germline): Benign/Likely benign. Review status: criteria provided, multiple submitters, no conflicts (2 of 4 stars). 14 submissions from 14 submitters: Benign (3); Likely benign (10). 1 of the submissions does not count toward it. Last evaluated 2026-01-24.

Conditions:
Hereditary nonpolyposis colorectal neoplasms. Identifiers: MedGen C0009405, MeSH D003123.
Hereditary cancer-predisposing syndrome. Also called: Tumor predisposition; Hereditary neoplastic syndrome; Hereditary Cancer Syndrome; Neoplastic Syndromes, Hereditary. Identifiers: Orphanet 140162, MedGen C0027672, MeSH D009386, MONDO:0015356.
Lynch syndrome. Identifiers: Orphanet 144, MedGen C4552100, MONDO:0005835. Disease mechanism: loss of function.
Lynch syndrome 4 (LYNCH4). Also called: Hereditary non-polyposis colorectal cancer, type 4; Colorectal cancer, hereditary nonpolyposis, type 4. Identifiers: Orphanet 144, MedGen C1838333, MONDO:0013699, OMIM 614337. Disease mechanism: loss of function.
Malignant tumor of breast. Also called: Cancer breast; Malignant breast neoplasm. Identifiers: MedGen C0006142, MONDO:0007254. Disease mechanism: loss of function.

Allele frequency attached by ClinVar (database versions not stated): ExAC 0.00003; ESP Exome Variant Server 0.00008; gnomAD exomes 0.00008 and 0.00016; gnomAD 0.00012 and 0.00013; TOPMed 0.00012.
gnomAD v4.1: 254 of 1,614,120 alleles (0.016%); highest among the groups gnomAD compares: Non-Finnish European, 0.021%; no homozygotes.

Submissions (14):

Labcorp Genetics (formerly Invitae), Labcorp
Classification: Likely benign for Hereditary nonpolyposis colorectal neoplasms. Last evaluated: 2026-01-24. Review status: criteria provided, single submitter. Criteria: Invitae Variant Classification Sherloc (09022015). Collection method: clinical testing. Allele origin: germline.

CeGaT Center for Human Genetics Tuebingen
Classification: Likely benign. Last evaluated: 2025-09-01. Review status: criteria provided, single submitter. Criteria: CeGaT Center For Human Genetics Tuebingen Variant Classification Criteria Version 2. Collection method: clinical testing. Allele origin: germline. Affected: yes. Observed: 1 variant allele.
Comment: PMS2: BP4, BP7

Myriad Genetics, Inc.
Classification: Benign for Lynch syndrome 4. Last evaluated: 2025-01-30. Review status: criteria provided, single submitter. Criteria: Myriad Autosomal Dominant, Autosomal Recessive and X-Linked Classification Criteria (2023). Collection method: clinical testing. Allele origin: unknown.
Comment: This variant is considered benign. This variant is a silent/synonymous amino acid change and it is not expected to impact splicing.

Blueprint Genetics
Classification: Likely benign. Last evaluated: 2024-05-10. Review status: criteria provided, single submitter. Criteria: ACMG Guidelines, 2015. Collection method: clinical testing. Allele origin: germline.

All of Us Research Program, National Institutes of Health
Classification: Likely benign for Lynch syndrome. Last evaluated: 2024-02-05. Review status: criteria provided, single submitter. Criteria: ACMG Guidelines, 2015. Collection method: clinical testing. Allele origin: germline. Inheritance: Autosomal dominant inheritance. Observed: 38 variant alleles, 38 heterozygotes.
Comment: This study involves interpretation of variants in research participants for the purpose of population health screening. Participant phenotype was not available at the time of variant classification. Additional details can be found in publication PMID: 35346344, PMCID: PMC8962531

Quest Diagnostics Nichols Institute San Juan Capistrano
Classification: Likely benign. Last evaluated: 2022-06-24. Review status: criteria provided, single submitter. Criteria: Quest Diagnostics criteria. Collection method: clinical testing. Allele origin: unknown.

Genetic Services Laboratory, University of Chicago
Classification: Likely benign. Last evaluated: 2021-10-11. Review status: criteria provided, single submitter. Criteria: ACMG Guidelines, 2015. Collection method: clinical testing. Allele origin: germline. Affected: no.

Sema4
Classification: Likely benign for Hereditary cancer-predisposing syndrome. Last evaluated: 2021-08-04. Review status: criteria provided, single submitter. Criteria: Sema4 Curation Guidelines. Collection method: curation. Allele origin: germline.

ARUP Laboratories, Molecular Genetics and Genomics, ARUP Laboratories
Classification: Likely benign. Last evaluated: 2020-10-09. Review status: criteria provided, single submitter. Criteria: ARUP Molecular Germline Variant Investigation Process 2021. Collection method: clinical testing. Allele origin: germline.

Women's Health and Genetics/Laboratory Corporation of America, LabCorp
Classification: Benign. Last evaluated: 2020-09-17. Review status: criteria provided, single submitter. Criteria: LabCorp Variant Classification Summary - May 2015. Collection method: clinical testing. Allele origin: germline.

Color Diagnostics, LLC DBA Color Health
Classification: Likely benign for Hereditary cancer-predisposing syndrome. Last evaluated: 2015-04-27. Review status: criteria provided, single submitter. Criteria: ACMG Guidelines, 2015. Collection method: clinical testing. Allele origin: germline.

Ambry Genetics
Classification: Likely benign for Hereditary cancer-predisposing syndrome. Last evaluated: 2014-09-17. Review status: criteria provided, single submitter. Criteria: Ambry Variant Classification Scheme 2023. Collection method: clinical testing. Allele origin: germline.

GeneDx
Classification: Benign. Last evaluated: 2014-03-18. Review status: criteria provided, single submitter. Criteria: GeneDx Variant Classification (06012015). Collection method: clinical testing. Allele origin: germline. Affected: yes.
Comment: This variant is considered likely benign or benign based on one or more of the following criteria: it is a conservative change, it occurs at a poorly conserved position in the protein, it is predicted to be benign by multiple in silico algorithms, and/or has population frequency not consistent with disease.

Department of Pathology and Laboratory Medicine, Sinai Health System
Classification: Likely benign for Malignant tumor of breast. Review status: no assertion criteria provided. Collection method: clinical testing. Allele origin: unknown. Affected: yes. Study: The Canadian Open Genetics Repository (COGR). Not counted in ClinVar's aggregate classification.
Comment: The PMS2 p.Pro440= variant was not identified in the literature nor was it identified in the COGR, Cosmic, MutDB, LOVD 3.0, Zhejiang Colon Cancer Database, Mismatch Repair Genes Variant Database, or Insight Hereditary Tumors Database. The variant was identified in dbSNP (ID: rs138697590) â€šÃ„ÃºWith Likely benign alleleâ€šÃ„Ã¹, ClinVar (classified with conflicting interpretations of pathogenicity: likely benign by Invitae, Ambry Genetics, Color Genomics Inc, Quest Diagnostics Nichols Institute San Juan Capistrano; benign by GeneDx, and uncertain significance by Laboratory Corporation of America), Clinvitae (3x), and in control databases in 20 of 277136 chromosomes at a frequency of 0.00007, increasing the likelihood this could be a low frequency benign variant (Genome Aggregation Database Feb 27, 2017). It was observed in the following populations: African in 2 of 24024 chromosomes (freq: 0.00008) and European Non-Finnish in 18 of 126664 chromosomes (freq: 0.0001) but not in the Other, Latino, Ashkenazi Jewish, East Asian, European Finnish, and South Asian populations. The p.Pro440= variant is not expected to have clinical significance because it does not result in a change of amino acid and is not located in a known consensus splice site. In summary, based on the above information the clinical significance of this variant cannot be determined with certainty at this time although we would lean towards a more benign role for this variant. This variant is classified as likely benign.